The following is an entry in ClinVar:

NM_000535.7(PMS2):c.1344A>G (p.Gly448=)

Gene: PMS2 (PMS1 homolog 2, mismatch repair system component; minus strand). Cytogenetic location: 7p22.1.
Variant type: single nucleotide variant.
Coding change: c.1344A>G on transcript NM_000535.7 (MANE Select); coding-DNA position 1344, A replaced by G.
Protein change: p.Gly448=; no amino-acid change (glycine 448 retained).
Molecular consequence: synonymous variant. On other transcripts: non-coding transcript variant (1).
Genome position (GRCh38, 1-based): chr7:5,987,421, T>C on the plus strand (A>G on the coding strand, the complement: PMS2 is on the minus strand). VCF-style: chr7-5987421-T-C. GRCh37 (hg19) VCF-style: chr7-6027052-T-C.
Other names: c.939A>G, p.Gly313= (NM_001322003.2, NM_001322004.2, NM_001322005.2 and 1 more transcripts); c.1188A>G, p.Gly396= (NM_001322006.2); c.1026A>G, p.Gly342= (NM_001322007.2, NM_001322008.2); c.783A>G, p.Gly261= (NM_001322010.2); c.411A>G, p.Gly137= (NM_001322011.2, NM_001322012.2); c.771A>G, p.Gly257= (NM_001322013.2); c.1344A>G, p.Gly448= (NM_001322014.2); c.1035A>G, p.Gly345= (NM_001322015.2).
Identifiers: ClinVar variation 231735 (VCV000231735.15), dbSNP rs759192470, ClinGen allele CA10578680.
Genomic context (GRCh38, chr7:5,987,421, plus strand): 5'-CAGGACGCCTTTGTCAGAGATGGCACCTGAAGTGCTAGAAGACAGCATACCCCTTTTCTG[T>C]CCTAGAGGGCTCCTTCTTGGTTCTGGAGTCTTTGGGCTGTGAGGCTTGTTCTCTGTTGTG-3'
Protein context (NP_000526.2, residues 438-458): KTPEPRRSPL[Gly448=]QKRGMLSSST

ClinVar aggregate classification (germline): Benign/Likely benign. Review status: criteria provided, multiple submitters, no conflicts (2 of 4 stars). 4 submissions from 4 submitters: Benign (1); Likely benign (2). 1 of the submissions does not count toward it. Last evaluated 2023-04-04.

Conditions:
Hereditary cancer-predisposing syndrome. Also called: Neoplastic Syndromes, Hereditary; Tumor predisposition; Hereditary Cancer Syndrome; Hereditary neoplastic syndrome. Identifiers: Orphanet 140162, MedGen C0027672, MeSH D009386, MONDO:0015356.
Hereditary nonpolyposis colorectal neoplasms. Identifiers: MedGen C0009405, MeSH D003123.
Lynch syndrome 4 (LYNCH4). Also called: Colorectal cancer, hereditary nonpolyposis, type 4; Hereditary non-polyposis colorectal cancer, type 4. Identifiers: Orphanet 144, MedGen C1838333, MONDO:0013699, OMIM 614337. Disease mechanism: loss of function.

Submissions (4):

Myriad Genetics, Inc.
Classification: Benign for Lynch syndrome 4. Last evaluated: 2023-04-04. Review status: criteria provided, single submitter. Criteria: Myriad Autosomal Dominant, Autosomal Recessive and X-Linked Classification Criteria (2023). Collection method: clinical testing. Allele origin: unknown.
Comment: This variant is considered benign. This variant is a silent/synonymous amino acid change and it is not expected to impact splicing.

Labcorp Genetics (formerly Invitae), Labcorp
Classification: Likely benign for Hereditary nonpolyposis colorectal neoplasms. Last evaluated: 2021-12-23. Review status: criteria provided, single submitter. Criteria: Invitae Variant Classification Sherloc (09022015). Collection method: clinical testing. Allele origin: germline.

Ambry Genetics
Classification: Likely benign for Hereditary cancer-predisposing syndrome. Last evaluated: 2017-12-01. Review status: criteria provided, single submitter. Criteria: Ambry Variant Classification Scheme 2023. Collection method: clinical testing. Allele origin: germline.

Counsyl
Classification: Likely benign for Lynch syndrome 4. Last evaluated: 2017-07-07. Review status: no assertion criteria provided. Collection method: clinical testing. Allele origin: unknown. Not counted in ClinVar's aggregate classification.